The following is an entry in ClinVar:

ClinVar aggregate classification (germline): Likely pathogenic (1 of 4 stars; one submission).

Conditions:
Genitourinary and/or brain malformation syndrome (GUBS). Also called: PPP1R12A-Related Urogenital and/or Brain Malformation Syndrome. Identifiers: MedGen C5394158, MONDO:0032934, OMIM 618820.

Submission:

Rady Children's Institute for Genomic Medicine, Rady Children's Hospital San Diego
Classification: Likely pathogenic for Genitourinary and/or Brain Malformation Syndrome. Last evaluated: 2024-03-25. Review status: criteria provided, single submitter. Criteria: ACMG Guidelines, 2015. Collection method: clinical testing. Allele origin: germline. Affected: yes.
Comment: This frameshifting variant in exon 4 of 25 is predicted to result in loss of normal protein function through either protein truncation or nonsense-mediated mRNA decay. Loss-of-function variation in PPP1R12A is an established mechanism of disease (PMID: 31883643). This variant has not been previously reported or functionally characterized in the literature to our knowledge. The c.522_523dup (p.Arg175HisfsTer12) variant is absent from the gnomAD v4 population database and thus is presumed to be rare. Based on the available evidence, c.522_523dup (p.Arg175HisfsTer12) is classified as Likely Pathogenic.

NM_002480.3(PPP1R12A):c.522_523dup (p.Arg175fs)

Gene: PPP1R12A (protein phosphatase 1 regulatory subunit 12A; minus strand). Cytogenetic location: 12q21.2.
Variant type: Duplication.
Coding change: c.522_523dup on transcript NM_002480.3 (MANE Select); coding-DNA positions 522 to 523, 2 bases duplicated (AC; older notation c.522_523dupAC).
Protein change: p.Arg175fs; shifts the reading frame from arginine 175.
Molecular consequence: frameshift variant.
Genome position (GRCh38, 1-based): chr12:79,832,456-79,832,457, GT duplicated on the plus strand (AC on the coding strand, the reverse complement: PPP1R12A is on the minus strand). VCF-style (leftmost placement, unchanged base first): chr12-79832455-C-CGT. GRCh37 (hg19) VCF-style: chr12-80226235-C-CGT.
Other names: c.522_523dup, p.Arg175fs (NM_001143885.2, NM_001244990.2, NM_001244992.1); c.261_262dup, p.Arg88fs (NM_001143886.2); short protein forms R175fs, R88fs.
Identifiers: ClinVar variation 3773820 (VCV003773820.1).
Genomic context (GRCh38, chr12:79,832,455, plus strand): 5'-TGCCGGACATCATTTATATGACCACTATTTAGCCACTGCCTGGCATCTCTAAGCATGATC[C>CGT]GTTCTTCTTCCTTTCGAGCTGCTTCTATATCAACCCCTGATAAAATAAAAATAGTTCTTT-3'